The following is an entry in ClinVar:

ClinVar aggregate classification (germline): Conflicting classifications of pathogenicity. Review status: criteria provided, conflicting classifications (1 of 4 stars). 4 submissions from 4 submitters: Uncertain significance (2); Likely benign (2). Last evaluated 2026-01-24.

Conditions:
Interstitial lung disease due to ABCA3 deficiency. Also called: PULMONARY ALVEOLAR PROTEINOSIS, CONGENITAL, 3. Identifiers: Orphanet 440402, MedGen C1970456, MONDO:0012582, OMIM 610921.

Allele frequency attached by ClinVar (database versions not stated): gnomAD 0.00010 and 0.00014; TOPMed 0.00015; gnomAD exomes 0.00019 and 0.00031; ExAC 0.00030; 1000 Genomes Project 0.00060; 1000 Genomes Project 30x 0.00062.
gnomAD v4.1: 290 of 1,613,994 alleles (0.018%); highest among the groups gnomAD compares: East Asian, 0.5%; 2 homozygotes.

Submissions (4):

Labcorp Genetics (formerly Invitae), Labcorp
Classification: Likely benign. Last evaluated: 2026-01-24. Review status: criteria provided, single submitter. Criteria: Invitae Variant Classification Sherloc (09022015). Collection method: clinical testing. Allele origin: germline.

GeneDx
Classification: Uncertain significance. Last evaluated: 2024-11-11. Review status: criteria provided, single submitter. Criteria: GeneDx Variant Classification Process June 2021. Collection method: clinical testing. Allele origin: germline. Affected: yes.
Comment: In silico analysis indicates that this missense variant does not alter protein structure/function; This variant is associated with the following publications: (PMID: 31081264, 28642621)

Blueprint Genetics
Classification: Likely benign. Last evaluated: 2023-10-20. Review status: criteria provided, single submitter. Criteria: ACMG Guidelines, 2015. Collection method: clinical testing. Allele origin: germline.

Illumina Laboratory Services, Illumina
Classification: Uncertain significance for Interstitial lung disease due to ABCA3 deficiency. Last evaluated: 2018-01-13. Review status: criteria provided, single submitter. Criteria: ICSL Variant Classification Criteria 13 December 2019. Collection method: clinical testing. Allele origin: germline.

NM_001089.3(ABCA3):c.5020G>A (p.Gly1674Ser)

Gene: ABCA3 (ATP binding cassette subfamily A member 3; minus strand). Cytogenetic location: 16p13.3.
Variant type: single nucleotide variant.
Coding change: c.5020G>A on transcript NM_001089.3 (MANE Select); coding-DNA position 5020, G replaced by A.
Protein change: p.Gly1674Ser; replaces glycine 1674 with serine.
Molecular consequence: missense variant.
Genome position (GRCh38, 1-based): chr16:2,276,769, C>T on the plus strand (G>A on the coding strand, the complement: ABCA3 is on the minus strand). VCF-style: chr16-2276769-C-T. GRCh37 (hg19) VCF-style: chr16-2326770-C-T.
Other names: short protein forms G1674S.
Identifiers: ClinVar variation 884330 (VCV000884330.9), dbSNP rs202078936, ClinGen allele CA7839917.